The following is an entry in ClinVar:

NM_024734.4(CLMN):c.886-13_886-12dup

Gene: CLMN (calmin; minus strand). Cytogenetic location: 14q32.13.
Variant type: Duplication.
Coding change: c.886-13_886-12dup on transcript NM_024734.4 (MANE Select); 13 bases into the intron before coding-DNA position 886 through 12 bases into the intron before coding-DNA position 886, 2 bases duplicated (TT; older notation c.886-13_886-12dupTT).
Molecular consequence: intron variant.
Genome position (GRCh38, 1-based): chr14:95,204,468-95,204,469, AA duplicated on the plus strand (TT on the coding strand, the reverse complement: CLMN is on the minus strand); duplicating any 2 consecutive bases within chr14:95,204,468-95,204,476 gives the same sequence; the c. name uses the placement nearest the transcript's 3' end. VCF-style (leftmost placement, unchanged base first): chr14-95204467-C-CAA. GRCh37 (hg19) VCF-style: chr14-95670804-C-CAA.
Identifiers: ClinVar variation 788893 (VCV000788893.5), dbSNP rs5810715, ClinGen allele CA7332265.

ClinVar aggregate classification (germline): Benign. Review status: criteria provided, single submitter (1 of 4 stars). 2 submissions from 2 submitters: Benign (1). 1 of the submissions does not count toward it. Last evaluated 2018-08-29.

Conditions:
CLMN-related disorder. Also called: CLMN-related condition.

Submissions (2):

Labcorp Genetics (formerly Invitae), Labcorp
Classification: Benign. Last evaluated: 2018-08-29. Review status: criteria provided, single submitter. Criteria: Invitae Variant Classification Sherloc (09022015). Collection method: clinical testing. Allele origin: germline.

PreventionGenetics, part of Exact Sciences
Classification: Benign for CLMN-related condition. Last evaluated: 2019-02-18. Review status: no assertion criteria provided. Collection method: clinical testing. Allele origin: germline. Not counted in ClinVar's aggregate classification.
Comment: This variant is classified as benign based on ACMG/AMP sequence variant interpretation guidelines (Richards et al. 2015 PMID: 25741868, with internal and published modifications).